The following is an entry in ClinVar:

NM_138459.5(NUS1):c.352G>T (p.Ala118Ser)

Gene: NUS1 (NUS1 dehydrodolichyl diphosphate synthase subunit; plus strand). Cytogenetic location: 6q22.1.
Variant type: single nucleotide variant.
Coding change: c.352G>T on transcript NM_138459.5 (MANE Select); coding-DNA position 352, G replaced by T.
Protein change: p.Ala118Ser; replaces alanine 118 with serine.
Molecular consequence: missense variant.
Genome position (GRCh38, 1-based): chr6:117,676,022, G>T. VCF-style: chr6-117676022-G-T. GRCh37 (hg19) VCF-style: chr6-117997185-G-T.
Other names: short protein forms A118S.
Identifiers: ClinVar variation 2005717 (VCV002005717.4), dbSNP rs2481983813, ClinGen allele CA365536433.

ClinVar aggregate classification (germline): Uncertain significance (1 of 4 stars; one submission).

Conditions:
Congenital disorder of glycosylation, type Iaa. Also called: Congenital disorder of glycosylation, type 1aa. Identifiers: MedGen C4310727, MONDO:0014904, OMIM 617082.

Submission:

Labcorp Genetics (formerly Invitae), Labcorp
Classification: Uncertain significance for Congenital disorder of glycosylation, type Iaa. Last evaluated: 2023-03-31. Review status: criteria provided, single submitter. Criteria: Invitae Variant Classification Sherloc (09022015). Collection method: clinical testing. Allele origin: germline.
Comment: In summary, the available evidence is currently insufficient to determine the role of this variant in disease. Therefore, it has been classified as a Variant of Uncertain Significance. An algorithm developed to predict the effect of missense changes on protein structure and function (PolyPhen-2) suggests that this variant is likely to be disruptive. ClinVar contains an entry for this variant (Variation ID: 2005717). This variant has not been reported in the literature in individuals affected with NUS1-related conditions. This variant is not present in population databases (gnomAD no frequency). This sequence change replaces alanine, which is neutral and non-polar, with serine, which is neutral and polar, at codon 118 of the NUS1 protein (p.Ala118Ser).